The following is an entry in ClinVar:

NM_017986.4(SLC52A1):c.1270G>A (p.Gly424Ser)

Gene: SLC52A1 (solute carrier family 52 member 1; minus strand). Cytogenetic location: 17p13.2.
Variant type: single nucleotide variant.
Coding change: c.1270G>A on transcript NM_017986.4 (MANE Select); coding-DNA position 1270, G replaced by A.
Protein change: p.Gly424Ser; replaces glycine 424 with serine.
Molecular consequence: missense variant.
Genome position (GRCh38, 1-based): chr17:5,033,034, C>T on the plus strand (G>A on the coding strand, the complement: SLC52A1 is on the minus strand). VCF-style: chr17-5033034-C-T. GRCh37 (hg19) VCF-style: chr17-4936329-C-T.
Other names: c.1270G>A (NM_001104577.1); c.1270G>A, p.Gly424Ser (NM_001104577.2); short protein forms G424S.
Identifiers: ClinVar variation 2168075 (VCV002168075.5), dbSNP rs769783510, ClinGen allele CA8319577.
Genomic context (GRCh38, chr17:5,033,034, plus strand): 5'-CTACACAGTCCTTTCTGCTTTGAAACACGTGGTAGATGCTGGTGGGAGGGAACATGGCAC[C>T]GGCACCAAGCAGGGAGCCCACTTGGATGGCCACACCAGCTGCCAGCAATGCCGGCCGACC-3'
Protein context (NP_060456.3, residues 414-434): AIQVGSLLGA[Gly424Ser]AMFPPTSIYH

ClinVar aggregate classification (germline): Uncertain significance. Review status: criteria provided, multiple submitters, no conflicts (2 of 4 stars). 2 submissions from 2 submitters: Uncertain significance (2). Last evaluated 2025-08-24.

Conditions:
Vitamin B2 deficiency. Identifiers: MedGen C0035528.

Allele frequency attached by ClinVar (database versions not stated): gnomAD 0.00001; TOPMed 0.00002; ExAC 0.00003; gnomAD exomes 0.00003.
gnomAD v4.1: 38 of 1,613,580 alleles (0.0024%); highest among the groups gnomAD compares: East Asian, 0.04%; no homozygotes.

Submissions (2):

Ambry Genetics
Classification: Uncertain significance. Last evaluated: 2025-08-24. Review status: criteria provided, single submitter. Criteria: Ambry Variant Classification Scheme 2023. Collection method: clinical testing. Allele origin: germline.

Labcorp Genetics (formerly Invitae), Labcorp
Classification: Uncertain significance for Vitamin B2 deficiency. Last evaluated: 2023-06-03. Review status: criteria provided, single submitter. Criteria: Invitae Variant Classification Sherloc (09022015). Collection method: clinical testing. Allele origin: germline.
Comment: In summary, the available evidence is currently insufficient to determine the role of this variant in disease. Therefore, it has been classified as a Variant of Uncertain Significance. Advanced modeling of protein sequence and biophysical properties (such as structural, functional, and spatial information, amino acid conservation, physicochemical variation, residue mobility, and thermodynamic stability) performed at Invitae indicates that this missense variant is not expected to disrupt SLC52A1 protein function. ClinVar contains an entry for this variant (Variation ID: 2168075). This variant has not been reported in the literature in individuals affected with SLC52A1-related conditions. This variant is present in population databases (rs769783510, gnomAD 0.009%). This sequence change replaces glycine, which is neutral and non-polar, with serine, which is neutral and polar, at codon 424 of the SLC52A1 protein (p.Gly424Ser).